The following is an entry in ClinVar:

ClinVar aggregate classification (germline): Benign/Likely benign. Review status: criteria provided, multiple submitters, no conflicts (2 of 4 stars). 3 submissions from 3 submitters: Benign (1); Likely benign (2). Last evaluated 2024-05-20.

Conditions:
Ataxia-telangiectasia syndrome (AT). Also called: Cerebello-oculocutaneous telangiectasia; Immunodeficiency with ataxia telangiectasia; AT, COMPLEMENTATION GROUP C; Ataxia-telangiectasia, complementation group D; LOUIS-BAR SYNDROME; Ataxia-telangiectasia, complementation group E. Identifiers: Orphanet 100, MedGen C0004135, MONDO:0008840, OMIM 208900.
Familial cancer of breast. Also called: BREAST CANCER, FAMILIAL; Hereditary breast cancer; hereditary breast carcinoma. Identifiers: Orphanet 227535, MedGen C0346153, MONDO:0016419, OMIM 114480. Disease mechanism: loss of function.

Submissions (4):

Myriad Genetics, Inc.
Classification: Benign for Familial cancer of breast. Last evaluated: 2024-05-20. Review status: criteria provided, single submitter. Criteria: Myriad Autosomal Dominant, Autosomal Recessive and X-Linked Classification Criteria (2023). Collection method: clinical testing. Allele origin: unknown.
Comment: This variant is considered benign. This variant is a silent/synonymous amino acid change and it is not expected to impact splicing.

Labcorp Genetics (formerly Invitae), Labcorp
Classification: Likely benign for Ataxia-telangiectasia syndrome. Last evaluated: 2021-03-24. Review status: criteria provided, single submitter. Criteria: Invitae Variant Classification Sherloc (09022015). Collection method: clinical testing. Allele origin: germline.

GeneDx
Classification: Likely benign. Last evaluated: 2017-08-30. Review status: criteria provided, single submitter. Criteria: GeneDx Variant Classification (06012015). Collection method: clinical testing. Allele origin: germline. Affected: yes.
Comment: This variant is considered likely benign or benign based on one or more of the following criteria: it is a conservative change, it occurs at a poorly conserved position in the protein, it is predicted to be benign by multiple in silico algorithms, and/or has population frequency not consistent with disease.

Dr. Peter K. Rogan Lab, Western University
No classification provided (evidence only). Condition: Thyroid cancer, nonmedullary, 1. Review status: no classification provided. Collection method: in vitro. Allele origin: not applicable. Functional consequence: retained intron. Not counted in ClinVar's aggregate classification.

NM_000051.4(ATM):c.4584G>T (p.Val1528=)

Gene: ATM (ATM serine/threonine kinase; plus strand). Cytogenetic location: 11q22.3.
Variant type: single nucleotide variant.
Coding change: c.4584G>T on transcript NM_000051.4 (MANE Select); coding-DNA position 4584, G replaced by T.
Protein change: p.Val1528=; no amino-acid change (valine 1528 retained).
Molecular consequence: synonymous variant.
Genome position (GRCh38, 1-based): chr11:108,292,766, G>T. VCF-style: chr11-108292766-G-T. GRCh37 (hg19) VCF-style: chr11-108163493-G-T.
Other names: c.4584G>T, p.Val1528= (NM_001351834.2).
Identifiers: ClinVar variation 511795 (VCV000511795.10), dbSNP rs1555100000, ClinGen allele CA476674245.
Genomic context (GRCh38, chr11:108,292,766, plus strand): 5'-CTGTAAGGATGCTCTAGAAAACCATCTTCATGTTATTGTTGGTACACTTATACCCCTTGT[G>T]TATGAGCAGGTGGAGGTTCAGAAACAGGTAATTTTCTGACTCATCTTCAAAATGGTATTT-3'
Protein context (NP_000042.3, residues 1518-1538): HVIVGTLIPL[Val1528=]YEQVEVQKQV